The following is an entry in ClinVar:

NM_001164508.2(NEB):c.4464G>C (p.Met1488Ile)

Gene: NEB (nebulin; minus strand). Cytogenetic location: 2q23.3.
Variant type: single nucleotide variant.
Coding change: c.4464G>C on transcript NM_001164508.2 (MANE Select); coding-DNA position 4464, G replaced by C.
Protein change: p.Met1488Ile; replaces methionine 1488 with isoleucine.
Molecular consequence: missense variant.
Genome position (GRCh38, 1-based): chr2:151,671,065, C>G on the plus strand (G>C on the coding strand, the complement: NEB is on the minus strand). VCF-style: chr2-151671065-C-G. GRCh37 (hg19) VCF-style: chr2-152527579-C-G.
Other names: c.4464G>C, p.Met1488Ile (NM_001164507.2, NM_001271208.2, NM_004543.5); short protein forms M1488I.
Identifiers: ClinVar variation 1308051 (VCV001308051.2), dbSNP rs368215104, ClinGen allele CA348815465.
Genomic context (GRCh38, chr2:151,671,065, plus strand): 5'-TGAAAGGAAAGCACTCACATCACTTAGCTGCTTTGTGTTATGCTGAGCCAACACCATGCC[C>G]ATGGAATCAGGCACACTTGTGAACTTGACGGTATCTGGGTGCTGTCGATACTTCCTCTCA-3'
Protein context (NP_001157980.2, residues 1478-1498): TVKFTSVPDS[Met1488Ile]GMVLAQHNTK

ClinVar aggregate classification (germline): Uncertain significance (1 of 4 stars; one submission).

Submission:

GeneDx
Classification: Uncertain significance. Last evaluated: 2019-08-22. Review status: criteria provided, single submitter. Criteria: GeneDx Variant Classification Process June 2021. Collection method: clinical testing. Allele origin: germline. Affected: yes.
Comment: Not observed in large population cohorts (Lek et al., 2016); In silico analysis, which includes protein predictors and evolutionary conservation, supports that this variant does not alter protein structure/function; Has not been previously published as pathogenic or benign to our knowledge